The following is an entry in ClinVar:

NM_015046.7(SETX):c.5263A>G (p.Thr1755Ala)

Gene: SETX (senataxin; minus strand). Cytogenetic location: 9q34.13.
Variant type: single nucleotide variant.
Coding change: c.5263A>G on transcript NM_015046.7 (MANE Select); coding-DNA position 5263, A replaced by G.
Protein change: p.Thr1755Ala; replaces threonine 1755 with alanine.
Molecular consequence: missense variant.
Genome position (GRCh38, 1-based): chr9:132,326,335, T>C on the plus strand (A>G on the coding strand, the complement: SETX is on the minus strand). VCF-style: chr9-132326335-T-C. GRCh37 (hg19) VCF-style: chr9-135201722-T-C.
Other names: c.5263A>G, p.Thr1755Ala (NM_001351527.2, NM_001351528.2); short protein forms T1755A.
Identifiers: ClinVar variation 2936796 (VCV002936796.3), dbSNP rs1044373106, ClinGen allele CA200806153.

ClinVar aggregate classification (germline): Uncertain significance (1 of 4 stars; one submission).

Conditions:
Amyotrophic lateral sclerosis type 4 (ALS4). Also called: AMYOTROPHIC LATERAL SCLEROSIS 4, JUVENILE; NEURONOPATHY, DISTAL HEREDITARY MOTOR, WITH PYRAMIDAL FEATURES. Identifiers: Orphanet 357043, MedGen C1865409, MONDO:0011223, OMIM 602433.
Spinocerebellar ataxia, autosomal recessive, with axonal neuropathy 2 (SCAN2). Also called: Ataxia with Oculomotor Apraxia; ATAXIA-OCULOMOTOR APRAXIA 2; Ataxia-ocular apraxia-2; Ataxia with Oculomotor Apraxia Type 2. Identifiers: Orphanet 64753, MedGen C1853761, MONDO:0018996, OMIM 606002.

gnomAD v4.1: 1 of 1,604,996 alleles (0.000062%); no homozygotes.

Submission:

Labcorp Genetics (formerly Invitae), Labcorp
Classification: Uncertain significance for Amyotrophic lateral sclerosis type 4; Spinocerebellar ataxia, autosomal recessive, with axonal neuropathy 2. Last evaluated: 2023-11-05. Review status: criteria provided, single submitter. Criteria: Invitae Variant Classification Sherloc (09022015). Collection method: clinical testing. Allele origin: germline.
Comment: This sequence change replaces threonine, which is neutral and polar, with alanine, which is neutral and non-polar, at codon 1755 of the SETX protein (p.Thr1755Ala). This variant is not present in population databases (gnomAD no frequency). This variant has not been reported in the literature in individuals affected with SETX-related conditions. Advanced modeling of protein sequence and biophysical properties (such as structural, functional, and spatial information, amino acid conservation, physicochemical variation, residue mobility, and thermodynamic stability) performed at Invitae indicates that this missense variant is not expected to disrupt SETX protein function with a negative predictive value of 95%. In summary, the available evidence is currently insufficient to determine the role of this variant in disease. Therefore, it has been classified as a Variant of Uncertain Significance.